The following is an entry in ClinVar:

NM_000359.3(TGM1):c.508+4A>G

Gene: TGM1 (transglutaminase 1; minus strand). Cytogenetic location: 14q12.
Variant type: single nucleotide variant.
Coding change: c.508+4A>G on transcript NM_000359.3 (MANE Select); 4 bases into the intron after coding-DNA position 508, A replaced by G.
Molecular consequence: intron variant.
Genome position (GRCh38, 1-based): chr14:24,261,691, T>C on the plus strand (A>G on the coding strand, the complement: TGM1 is on the minus strand). VCF-style: chr14-24261691-T-C. GRCh37 (hg19) VCF-style: chr14-24730897-T-C.
Identifiers: ClinVar variation 2120273 (VCV002120273.4), dbSNP rs2502507710, ClinGen allele CA2580087988.
Genomic context (GRCh38, chr14:24,261,691, plus strand): 5'-CTAATGCCAGCCTCTCCCCACCAAACATAGGGCCTTCACCCGTCCCAATCCAAGCCCCAC[T>C]GACCGATGAGTAACTCAAGGGTGATGCGATCAGAGGATTCATAGGTCCGGGACAGGAGGA-3'

ClinVar aggregate classification (germline): Uncertain significance (1 of 4 stars; one submission).

gnomAD v4.1: 1 of 1,614,026 alleles (0.000062%); highest among the groups gnomAD compares: Non-Finnish European, 0.000085%; no homozygotes.

Submission:

Labcorp Genetics (formerly Invitae), Labcorp
Classification: Uncertain significance. Last evaluated: 2022-10-05. Review status: criteria provided, single submitter. Criteria: Invitae Variant Classification Sherloc (09022015). Collection method: clinical testing. Allele origin: germline.
Comment: Variants that disrupt the consensus splice site are a relatively common cause of aberrant splicing (PMID: 17576681, 9536098). Algorithms developed to predict the effect of sequence changes on RNA splicing suggest that this variant is not likely to affect RNA splicing. This variant has not been reported in the literature in individuals affected with TGM1-related conditions. This variant is not present in population databases (gnomAD no frequency). This sequence change falls in intron 3 of the TGM1 gene. It does not directly change the encoded amino acid sequence of the TGM1 protein. It affects a nucleotide within the consensus splice site. In summary, the available evidence is currently insufficient to determine the role of this variant in disease. Therefore, it has been classified as a Variant of Uncertain Significance.

Literature cited by the submitters: PubMed 17576681; PubMed 9536098.